The following is an entry in ClinVar:

NM_001365536.1(SCN9A):c.880G>A (p.Glu294Lys)

Gene: SCN9A (sodium voltage-gated channel alpha subunit 9; minus strand). Cytogenetic location: 2q24.3.
Variant type: single nucleotide variant.
Coding change: c.880G>A on transcript NM_001365536.1 (MANE Select); coding-DNA position 880, G replaced by A.
Protein change: p.Glu294Lys; replaces glutamic acid 294 with lysine.
Molecular consequence: missense variant.
Genome position (GRCh38, 1-based): chr2:166,303,111, C>T on the plus strand (G>A on the coding strand, the complement: SCN9A is on the minus strand). VCF-style: chr2-166303111-C-T. GRCh37 (hg19) VCF-style: chr2-167159621-C-T.
Other names: c.880G>A, p.Glu294Lys (NM_002977.4); short protein forms E294K.
Identifiers: ClinVar variation 471167 (VCV000471167.10), dbSNP rs1553495086, ClinGen allele CA349092285.

ClinVar aggregate classification (germline): Uncertain significance (1 of 4 stars; one submission).

Conditions:
Neuropathy, hereditary sensory and autonomic, type 2A (HSAN2A). Also called: ACROOSTEOLYSIS, NEUROGENIC; ACROOSTEOLYSIS, GIACCAI TYPE; MORVAN DISEASE; NEUROPATHY, CONGENITAL SENSORY; NEUROPATHY, HEREDITARY SENSORY RADICULAR, AUTOSOMAL RECESSIVE; NEUROPATHY, HEREDITARY SENSORY, TYPE IIA. Identifiers: Orphanet 970, MedGen C2752089, MONDO:0024309, OMIM 201300.
Generalized epilepsy with febrile seizures plus, type 7 (GEFSP7). Also called: GEFS+, TYPE 7. Identifiers: Orphanet 36387, MedGen C2751778, MONDO:0013470, OMIM 613863.

gnomAD v4.1: 1 of 1,603,748 alleles (0.000062%); no homozygotes.

Submission:

Labcorp Genetics (formerly Invitae), Labcorp
Classification: Uncertain significance for Neuropathy, hereditary sensory and autonomic, type 2A; Generalized epilepsy with febrile seizures plus, type 7. Last evaluated: 2018-10-03. Review status: criteria provided, single submitter. Criteria: Invitae Variant Classification Sherloc (09022015). Collection method: clinical testing. Allele origin: germline.
Comment: This sequence change replaces glutamic acid with lysine at codon 294 of the SCN9A protein (p.Glu294Lys). The glutamic acid residue is moderately conserved and there is a small physicochemical difference between glutamic acid and lysine. This variant is not present in population databases (ExAC no frequency) and has not been reported in the literature in individuals with an SCN9A-related disease. Algorithms developed to predict the effect of missense changes on protein structure and function (SIFT, PolyPhen-2, Align-GVGD) all suggest that this variant is likely to be tolerated, but these predictions have not been confirmed by published functional studies. In summary, this variant is a novel missense change that is not predicted to affect protein function. There is no indication that it causes disease, but the available evidence is currently insufficient to prove that conclusively. Therefore, it has been classified as a Variant of Uncertain Significance.